The following is an entry in ClinVar:

ClinVar aggregate classification (germline): Uncertain significance (1 of 4 stars; one submission).

Allele frequency attached by ClinVar (database versions not stated): gnomAD 0.00003 and 0.00004; TOPMed 0.00006; 1000 Genomes Project 30x 0.00016.
gnomAD v4.1: 53 of 1,525,404 alleles (0.0035%); highest among the groups gnomAD compares: Middle Eastern, 0.055%; 1 homozygote.

Submission:

Labcorp Genetics (formerly Invitae), Labcorp
Classification: Uncertain significance. Last evaluated: 2025-09-01. Review status: criteria provided, single submitter. Criteria: Invitae Variant Classification Sherloc (09022015). Collection method: clinical testing. Allele origin: germline.
Comment: This sequence change replaces glycine, which is neutral and non-polar, with alanine, which is neutral and non-polar, at codon 210 of the CFD protein (p.Gly210Ala). This variant is present in population databases (rs781602858, gnomAD 0.04%). This variant has not been reported in the literature in individuals affected with CFD-related conditions. ClinVar contains an entry for this variant (Variation ID: 1466181). An algorithm developed to predict the effect of missense changes on protein structure and function (PolyPhen-2) suggests that this variant is likely to be disruptive. In summary, the available evidence is currently insufficient to determine the role of this variant in disease. Therefore, it has been classified as a Variant of Uncertain Significance.

NM_001928.4(CFD):c.629G>C (p.Gly210Ala)

Gene: CFD (complement factor D; plus strand). Cytogenetic location: 19p13.3.
Variant type: single nucleotide variant.
Coding change: c.629G>C on transcript NM_001928.4 (MANE Select); coding-DNA position 629, G replaced by C.
Protein change: p.Gly210Ala; replaces glycine 210 with alanine.
Molecular consequence: missense variant.
Genome position (GRCh38, 1-based): chr19:863,105, G>C. VCF-style: chr19-863105-G-C. GRCh37 (hg19) VCF-style: chr19-863105-G-C.
Other names: c.650G>C, p.Gly217Ala (NM_001317335.2); short protein forms G210A, G217A.
Identifiers: ClinVar variation 1466181 (VCV001466181.8), dbSNP rs781602858, ClinGen allele CA9026438.